The following is an entry in ClinVar:

NM_133510.4(RAD51B):c.446C>T (p.Ala149Val)

Gene: RAD51B (RAD51 paralog B; plus strand). Cytogenetic location: 14q24.1.
Variant type: single nucleotide variant.
Coding change: c.446C>T on transcript NM_133510.4 (MANE Select); coding-DNA position 446, C replaced by T.
Protein change: p.Ala149Val; replaces alanine 149 with valine.
Molecular consequence: missense variant.
Genome position (GRCh38, 1-based): chr14:67,865,133, C>T. VCF-style: chr14-67865133-C-T. GRCh37 (hg19) VCF-style: chr14-68331850-C-T.
Other names: c.446C>T, p.Ala149Val (NM_001321809.2, NM_001321810.2, NM_001321812.1 and 6 more transcripts); c.332C>T, p.Ala111Val (NM_001321815.1); c.89C>T, p.Ala30Val (NM_001321817.2); short protein forms A111V, A149V, A30V.
Identifiers: ClinVar variation 5027761 (VCV005027761.1).
Genomic context (GRCh38, chr14:67,865,133, plus strand): 5'-CCAACATGGGAGGATTAGAAGGAGCTGTGGTGTACATTGACACAGAGTCTGCATTTAGTG[C>T]TGAAAGGTATGAGATTTTATTTTCTATTATAATGTTTTACTTTTGTAACTTATATACAGC-3'
Protein context (NP_598194.1, residues 139-159): VYIDTESAFS[Ala149Val]ERLVEIAESR

ClinVar aggregate classification (germline): Uncertain significance (1 of 4 stars; one submission).

gnomAD v4.1: 12 of 1,592,296 alleles (0.00075%); highest among the groups gnomAD compares: Non-Finnish European, 0.001%; no homozygotes.

Submission:

Ambry Genetics
Classification: Uncertain significance. Last evaluated: 2026-06-17. Review status: criteria provided, single submitter. Criteria: Ambry Variant Classification Scheme 2023. Collection method: clinical testing. Allele origin: germline.
Comment: The p.A149V variant (also known as c.446C>T), located in coding exon 4 of the RAD51B gene, results from a C to T substitution at nucleotide position 446. The alanine at codon 149 is replaced by valine, an amino acid with similar properties. This amino acid position is conserved. In addition, the in silico prediction for this alteration is inconclusive. Based on the available evidence, the clinical significance of this variant remains unclear.